The following is an entry in ClinVar:

ClinVar aggregate classification (germline): Uncertain significance (1 of 4 stars; one submission).

Submission:

Labcorp Genetics (formerly Invitae), Labcorp
Classification: Uncertain significance. Last evaluated: 2024-07-21. Review status: criteria provided, single submitter. Criteria: Invitae Variant Classification Sherloc (09022015). Collection method: clinical testing. Allele origin: germline.
Comment: This sequence change affects codon 2540 of the FLNB mRNA. It is a 'silent' change, meaning that it does not change the encoded amino acid sequence of the FLNB protein. It affects a nucleotide within the consensus splice site. This variant is present in population databases (rs755456018, gnomAD 0.002%). This variant has not been reported in the literature in individuals affected with FLNB-related conditions. Algorithms developed to predict the effect of sequence changes on RNA splicing suggest that this variant is not likely to affect RNA splicing. In summary, the available evidence is currently insufficient to determine the role of this variant in disease. Therefore, it has been classified as a Variant of Uncertain Significance.

NM_001457.4(FLNB):c.7620T>A (p.Ala2540=)

Genes: FLNB (filamin B; plus strand), FLNB-AS1 (FLNB antisense RNA 1; minus strand). Cytogenetic location: 3p14.3.
Variant type: single nucleotide variant.
Coding change: c.7620T>A on transcript NM_001457.4 (MANE Select); coding-DNA position 7620, T replaced by A.
Protein change: p.Ala2540=; no amino-acid change (alanine 2540 retained).
Molecular consequence: synonymous variant.
Genome position (GRCh38, 1-based): chr3:58,169,792, T>A. VCF-style: chr3-58169792-T-A. GRCh37 (hg19) VCF-style: chr3-58155519-T-A.
Other names: c.7713T>A, p.Ala2571= (NM_001164317.2); c.7587T>A, p.Ala2529= (NM_001164318.2); c.7548T>A, p.Ala2516= (NM_001164319.2).
Identifiers: ClinVar variation 3700459 (VCV003700459.2).